The following is an entry in ClinVar:

ClinVar aggregate classification (germline): Uncertain significance. Review status: no assertion criteria provided (0 of 4 stars). 2 submissions from 1 submitter: Uncertain significance (1). 1 of the submissions does not count toward it.

Submissions (2):

Richard Lifton Laboratory, Yale University School of Medicine
Classification: Uncertain significance. Review status: no assertion criteria provided. Collection method: not provided. Allele origin: somatic.
Comment: STAT6:p.L93R
ClinVar note: Converted during submission from unknown to Uncertain significance.

Richard Lifton Laboratory, Yale University School of Medicine
Classification: Uncertain significance. Review status: flagged submission. Collection method: not provided. Allele origin: somatic. Not counted in ClinVar's aggregate classification.
ClinVar note: Converted during submission from unknown to Uncertain significance.
ClinVar note: Reason: This record appears to be redundant with a more recent record from the same submitter.
ClinVar note: Notes: SCV000120067 appears to be redundant with SCV000155171.

NM_003153.5(STAT6):c.278T>G (p.Leu93Arg)

Gene: STAT6 (signal transducer and activator of transcription 6; minus strand). Cytogenetic location: 12q13.3.
Variant type: single nucleotide variant.
Coding change: c.278T>G on transcript NM_003153.5 (MANE Select); coding-DNA position 278, T replaced by G.
Protein change: p.Leu93Arg; replaces leucine 93 with arginine.
Molecular consequence: missense variant. On other transcripts: 5 prime UTR variant (2), non-coding transcript variant (1).
Genome position (GRCh38, 1-based): chr12:57,107,292, A>C on the plus strand (T>G on the coding strand, the complement: STAT6 is on the minus strand). VCF-style: chr12-57107292-A-C. GRCh37 (hg19) VCF-style: chr12-57501075-A-C.
Other names: c.278T>G, p.Leu93Arg (NM_001178078.2, NM_001178079.2); c.-53T>G (NM_001178080.2, NM_001178081.2); short protein forms L93R.
Identifiers: ClinVar variation 100843 (VCV000100843.2), dbSNP rs483352723, ClinGen allele CA229111.